The following is an entry in ClinVar:

NM_004629.2(FANCG):c.905G>T (p.Ser302Ile)

Gene: FANCG (FA complementation group G; minus strand). Cytogenetic location: 9p13.3.
Variant type: single nucleotide variant.
Coding change: c.905G>T on transcript NM_004629.2 (MANE Select); coding-DNA position 905, G replaced by T.
Protein change: p.Ser302Ile; replaces serine 302 with isoleucine.
Molecular consequence: missense variant.
Genome position (GRCh38, 1-based): chr9:35,076,743, C>A on the plus strand (G>T on the coding strand, the complement: FANCG is on the minus strand). VCF-style: chr9-35076743-C-A. GRCh37 (hg19) VCF-style: chr9-35076740-C-A.
Other names: short protein forms S302I.
Identifiers: ClinVar variation 435154 (VCV000435154.11), dbSNP rs61757386, ClinGen allele CA5039918.

ClinVar aggregate classification (germline): Uncertain significance. Review status: criteria provided, multiple submitters, no conflicts (2 of 4 stars). 4 submissions from 4 submitters: Uncertain significance (4). Last evaluated 2024-03-08.

Conditions:
Fanconi anemia (FA). Also called: Fanconi's anemia. Identifiers: Orphanet 84, MedGen C0015625, MeSH D005199, MONDO:0019391.
Fanconi anemia complementation group G. Also called: FANCG-Related Fanconi Anemia; Fanconi anemia group G. Identifiers: Orphanet 84, MedGen C3469527, MONDO:0013565, OMIM 614082.

Allele frequency attached by ClinVar (database versions not stated): gnomAD 0.00001; TOPMed 0.00002; gnomAD exomes 0.00004 and 0.00006; ExAC 0.00007.
gnomAD v4.1: 80 of 1,614,122 alleles (0.005%); highest among the groups gnomAD compares: Non-Finnish European, 0.0067%; no homozygotes.

Submissions (4):

Fulgent Genetics
Classification: Uncertain significance for Fanconi anemia complementation group G. Last evaluated: 2024-03-08. Review status: criteria provided, single submitter. Criteria: ACMG Guidelines, 2015. Collection method: clinical testing. Allele origin: germline.

Baylor Genetics
Classification: Uncertain significance for Fanconi anemia complementation group G. Last evaluated: 2023-06-07. Review status: criteria provided, single submitter. Criteria: ACMG Guidelines, 2015. Collection method: clinical testing. Allele origin: unknown.

Labcorp Genetics (formerly Invitae), Labcorp
Classification: Uncertain significance for Fanconi anemia. Last evaluated: 2022-04-01. Review status: criteria provided, single submitter. Criteria: Invitae Variant Classification Sherloc (09022015). Collection method: clinical testing. Allele origin: germline.
Comment: This sequence change replaces serine, which is neutral and polar, with isoleucine, which is neutral and non-polar, at codon 302 of the FANCG protein (p.Ser302Ile). This variant is present in population databases (rs61757386, gnomAD 0.01%). This variant has not been reported in the literature in individuals affected with FANCG-related conditions. ClinVar contains an entry for this variant (Variation ID: 435154). Algorithms developed to predict the effect of missense changes on protein structure and function are either unavailable or do not agree on the potential impact of this missense change (SIFT: "Deleterious"; PolyPhen-2: "Possibly Damaging"; Align-GVGD: "Class C0"). In summary, the available evidence is currently insufficient to determine the role of this variant in disease. Therefore, it has been classified as a Variant of Uncertain Significance.

Genetic Services Laboratory, University of Chicago
Classification: Uncertain significance. Last evaluated: 2015-09-24. Review status: criteria provided, single submitter. Criteria: ACMG Guidelines, 2015. Collection method: clinical testing. Allele origin: germline. Affected: no.